The following is an entry in ClinVar:

NM_005045.4(RELN):c.9606-3C>T

Genes: RELN (reelin; minus strand), SLC26A5-AS1 (SLC26A5 antisense RNA 1; plus strand), LOC126860130 (BRD4-independent group 4 enhancer GRCh37_chr7:103130126-103131325; plus strand). Cytogenetic location: 7q22.1.
Variant type: single nucleotide variant.
Coding change: c.9606-3C>T on transcript NM_005045.4 (MANE Select); 3 bases into the intron before coding-DNA position 9606, C replaced by T.
Molecular consequence: intron variant.
Genome position (GRCh38, 1-based): chr7:103,489,902, G>A on the plus strand (C>T on the coding strand, the complement: RELN is on the minus strand). VCF-style: chr7-103489902-G-A. GRCh37 (hg19) VCF-style: chr7-103130349-G-A.
Other names: c.9606-3C>T (NM_173054.3).
Identifiers: ClinVar variation 662086 (VCV000662086.9), dbSNP rs376550183, ClinGen allele CA4420159.
Genomic context (GRCh38, chr7:103,489,902, plus strand): 5'-TGCCCAGCTTTGCTTCTCAGTTTCTTCTCCCTTCTGGATCCAGCGGAACTGTGTTGCACT[G>A]AAAGAACCACAGAGAGCAGAAGGGATTCAGTAGGTTGTTACTTCCATGGCTGCATCCTGC-3'

ClinVar aggregate classification (germline): Uncertain significance (1 of 4 stars; one submission).

Conditions:
Familial temporal lobe epilepsy 7. Identifiers: Orphanet 101046, MedGen C4225327, MONDO:0014639, OMIM 616436.
Norman-Roberts syndrome (LIS2). Also called: Lissencephaly 2 (Norman-Roberts type). Identifiers: Orphanet 89844, MedGen C0796089, MONDO:0009760, OMIM 257320.

Allele frequency attached by ClinVar (database versions not stated): TOPMed 0.00002; gnomAD exomes 0.00003; ESP Exome Variant Server 0.00008.
gnomAD v4.1: 45 of 1,613,996 alleles (0.0028%); highest among the groups gnomAD compares: Non-Finnish European, 0.0035%; no homozygotes.

Submission:

Labcorp Genetics (formerly Invitae), Labcorp
Classification: Uncertain significance for Familial temporal lobe epilepsy 7; Norman-Roberts syndrome. Last evaluated: 2025-11-13. Review status: criteria provided, single submitter. Criteria: Invitae Variant Classification Sherloc (09022015). Collection method: clinical testing. Allele origin: germline.
Comment: This sequence change falls in intron 59 of the RELN gene. It does not directly change the encoded amino acid sequence of the RELN protein. It affects a nucleotide within the consensus splice site. This variant is present in population databases (rs376550183, gnomAD 0.007%). This variant has not been reported in the literature in individuals affected with RELN-related conditions. ClinVar contains an entry for this variant (Variation ID: 662086). Variants that disrupt the consensus splice site are a relatively common cause of aberrant splicing (PMID: 17576681, 9536098). Algorithms developed to predict the effect of sequence changes on RNA splicing suggest that this variant is not likely to affect RNA splicing. In summary, the available evidence is currently insufficient to determine the role of this variant in disease. Therefore, it has been classified as a Variant of Uncertain Significance.

Literature cited by the submitters: PubMed 17576681; PubMed 9536098.